The following is an entry in ClinVar:

ClinVar aggregate classification (germline): Uncertain significance (1 of 4 stars; one submission).

Submission:

Labcorp Genetics (formerly Invitae), Labcorp
Classification: Uncertain significance. Last evaluated: 2023-11-13. Review status: criteria provided, single submitter. Criteria: Invitae Variant Classification Sherloc (09022015). Collection method: clinical testing. Allele origin: germline.
Comment: A copy number gain of the genomic region encompassing the full coding sequence of the TBXA2R gene has been identified. The boundaries of this event are unknown as they extend beyond the assayed region for this gene and therefore may encompass additional genes. As the precise location of this event is unknown, it may be in tandem or it may be located elsewhere in the genome. Isolated whole-gene copy number gains of TBXA2R have not been reported in the literature. However, larger copy number events that include this gene have been reported (PMID: 32935436). In summary, the available evidence is currently insufficient to determine the role of this variant in disease. Therefore, it has been classified as a Variant of Uncertain Significance.

Literature cited by the submitters: PubMed 32935436.

NC_000019.9:g.(?_3585596)_(3607681_?)dup

Genes: GIPC3 (GIPC PDZ domain containing family member 3; plus strand), TBXA2R (thromboxane A2 receptor; minus strand). Cytogenetic location: 19p13.3.
Variant type: Duplication.
Identifiers: ClinVar variation 2423589 (VCV002423589.4).